The following is an entry in ClinVar:

ClinVar aggregate classification (germline): Uncertain significance (1 of 4 stars; one submission).

Conditions:
Inborn genetic diseases. Identifiers: MedGen C0950123, MeSH D030342.

Submission:

Ambry Genetics
Classification: Uncertain significance for Inborn genetic diseases. Last evaluated: 2025-09-19. Review status: criteria provided, single submitter. Criteria: Ambry Variant Classification Scheme 2023. Collection method: clinical testing. Allele origin: germline.
Comment: The p.N1002K variant (also known as c.3006T>A), located in coding exon 23 of the BUB1B gene, results from a T to A substitution at nucleotide position 3006. The asparagine at codon 1002 is replaced by lysine, an amino acid with similar properties. This amino acid position is conserved. In addition, the in silico prediction for this alteration is inconclusive. Based on the available evidence, the clinical significance of this variant remains unclear.

NM_001211.6(BUB1B):c.3006T>A (p.Asn1002Lys)

Genes: BUB1B (BUB1 mitotic checkpoint serine/threonine kinase B; plus strand), BUB1B-PAK6 (BUB1B-PAK6 readthrough; plus strand). Cytogenetic location: 15q15.1.
Variant type: single nucleotide variant.
Coding change: c.3006T>A on transcript NM_001211.6 (MANE Select); coding-DNA position 3006, T replaced by A.
Protein change: p.Asn1002Lys; replaces asparagine 1002 with lysine.
Molecular consequence: missense variant. On other transcripts: intron variant (2).
Genome position (GRCh38, 1-based): chr15:40,220,612, T>A. VCF-style: chr15-40220612-T-A. GRCh37 (hg19) VCF-style: chr15-40512813-T-A.
Other names: c.-201+2945T>A (NM_001128628.3); c.-118+2945T>A (NM_001128629.3); short protein forms N1002K.
Identifiers: ClinVar variation 4600147 (VCV004600147.1).
Genomic context (GRCh38, chr15:40,220,612, plus strand): 5'-ATATATTTTTAGGCTAAAAGATGGTGAATTGTGGAATAAATTCTTTGTGCGGATTCTGAA[T>A]GCCAATGATGAGGCCACAGTGTCTGTTCTTGGGGAGCTTGCAGCAGAAATGAATGGGGTT-3'
Protein context (NP_001202.5, residues 992-1012): LWNKFFVRIL[Asn1002Lys]ANDEATVSVL